The following is an entry in ClinVar:

ClinVar aggregate classification (germline): Pathogenic (1 of 4 stars; one submission).

Conditions:
Deficiency of adenosine deaminase 2. Also called: Adenosine Deaminase 2 Deficiency; VASCULITIS, AUTOINFLAMMATION, IMMUNODEFICIENCY, AND HEMATOLOGIC DEFECTS SYNDROME; Polyarteritis nodosa, childhoood-onset. Identifiers: Orphanet 404553, MedGen C3887654, MONDO:0014306, OMIM 615688, MONDO:0100317.

Submission:

Labcorp Genetics (formerly Invitae), Labcorp
Classification: Pathogenic for Deficiency of adenosine deaminase 2. Last evaluated: 2025-03-04. Review status: criteria provided, single submitter. Criteria: Invitae Variant Classification Sherloc (09022015). Collection method: clinical testing. Allele origin: germline.
Comment: This sequence change affects an acceptor splice site in intron 5 of the ADA2 gene. It is expected to disrupt RNA splicing. Variants that disrupt the donor or acceptor splice site typically lead to a loss of protein function (PMID: 16199547), and loss-of-function variants in ADA2 are known to be pathogenic (PMID: 24552284, 24552285). This variant is not present in population databases (gnomAD no frequency). Disruption of this splice site has been observed in individual(s) with ADA2 deficiency and/or polyarteritis nodosa (PMID: 29271561; internal data). Algorithms developed to predict the effect of sequence changes on RNA splicing suggest that this variant may disrupt the consensus splice site. For these reasons, this variant has been classified as Pathogenic.

Literature cited by the submitters: PubMed 16199547; PubMed 24552284; PubMed 24552285; PubMed 29271561.

NM_001282225.2(ADA2):c.882-1G>A

Gene: ADA2 (adenosine deaminase 2; minus strand). Cytogenetic location: 22q11.1.
Variant type: single nucleotide variant.
Coding change: c.882-1G>A on transcript NM_001282225.2 (MANE Select); the canonical splice acceptor site of the intron before coding-DNA position 882, G replaced by A.
Molecular consequence: splice acceptor variant.
Genome position (GRCh38, 1-based): chr22:17,190,033, C>T on the plus strand (G>A on the coding strand, the complement: ADA2 is on the minus strand). VCF-style: chr22-17190033-C-T. GRCh37 (hg19) VCF-style: chr22-17670923-C-T.
Other names: c.756-1G>A (NM_001282227.2, NM_001282228.2); c.522-1G>A (NM_001282229.2); c.882-1G>A (NM_001282226.2); c.159-1G>A (NM_177405.3).
Identifiers: ClinVar variation 4711275 (VCV004711275.1).